The following is an entry in ClinVar:

NM_004655.4(AXIN2):c.2323_2325delinsTTC (p.Ile775Phe)

Gene: AXIN2 (axin 2; minus strand). Cytogenetic location: 17q24.1.
Variant type: Indel.
Coding change: c.2323_2325delinsTTC on transcript NM_004655.4 (MANE Select); coding-DNA positions 2323 to 2325, ATT replaced by TTC.
Protein change: p.Ile775Phe; replaces isoleucine 775 with phenylalanine.
Molecular consequence: missense variant.
Genome position (GRCh38, 1-based): chr17:65,533,992-65,533,994, AAT replaced by GAA on the plus strand (ATT replaced by TTC on the coding strand, the reverse complement: AXIN2 is on the minus strand). VCF-style: chr17-65533992-AAT-GAA. GRCh37 (hg19) VCF-style: chr17-63530110-AAT-GAA.
Other names: c.2128_2130delinsTTC, p.Ile710Phe (NM_001363813.1); c.2323_2325delATTinsTTC, p.Ile775Phe (NM_004655.3); short protein forms I710F, I775F.
Identifiers: ClinVar variation 1789602 (VCV001789602.4), dbSNP rs2509389236, ClinGen allele CA2580094689.

ClinVar aggregate classification (germline): Uncertain significance. Review status: criteria provided, multiple submitters, no conflicts (2 of 4 stars). 2 submissions from 2 submitters: Uncertain significance (2). Last evaluated 2025-04-15.

Conditions:
Hereditary cancer-predisposing syndrome. Also called: Hereditary Cancer Syndrome; Hereditary neoplastic syndrome; Tumor predisposition; Neoplastic Syndromes, Hereditary. Identifiers: Orphanet 140162, MedGen C0027672, MeSH D009386, MONDO:0015356.

Submissions (2):

Ambry Genetics
Classification: Uncertain significance for Hereditary cancer-predisposing syndrome. Last evaluated: 2025-04-15. Review status: criteria provided, single submitter. Criteria: Ambry Variant Classification Scheme 2023. Collection method: clinical testing. Allele origin: germline.
Comment: The c.2323_2325delATTinsTTC variant, located in coding exon 9 of the AXIN2 gene, results from an in-frame deletion of ATT and insertion of TTC at nucleotide positions 2323 to 2325. This results in the substitution of the isoleucine residue for a phenylalanine residue at codon 775, an amino acid with highly similar properties. This amino acid position is highly conserved in available vertebrate species. In addition, the in silico prediction for this alteration is inconclusive (Choi Y et al. PLoS ONE. 2012; 7(10):e46688). Based on the available evidence, the clinical significance of this variant remains unclear.

GeneDx
Classification: Uncertain significance. Last evaluated: 2022-07-01. Review status: criteria provided, single submitter. Criteria: GeneDx Variant Classification Process June 2021. Collection method: clinical testing. Allele origin: germline. Affected: yes.
Comment: Not observed at significant frequency in large population cohorts (gnomAD); Has not been previously published as pathogenic or benign to our knowledge